The following is an entry in ClinVar:

NM_001177316.2(SLC34A3):c.1069G>A (p.Val357Ile)

Gene: SLC34A3 (solute carrier family 34 member 3; plus strand). Cytogenetic location: 9q34.3.
Variant type: single nucleotide variant.
Coding change: c.1069G>A on transcript NM_001177316.2 (MANE Select); coding-DNA position 1069, G replaced by A.
Protein change: p.Val357Ile; replaces valine 357 with isoleucine.
Molecular consequence: missense variant.
Genome position (GRCh38, 1-based): chr9:137,234,252, G>A. VCF-style: chr9-137234252-G-A. GRCh37 (hg19) VCF-style: chr9-140128704-G-A.
Other names: c.1069G>A, p.Val357Ile (NM_001177317.2, NM_080877.3); short protein forms V357I.
Identifiers: ClinVar variation 1522211 (VCV001522211.6), dbSNP rs557760566, ClinGen allele CA5364752.

ClinVar aggregate classification (germline): Uncertain significance. Review status: criteria provided, multiple submitters, no conflicts (2 of 4 stars). 4 submissions from 4 submitters: Uncertain significance (4). Last evaluated 2025-12-02.

Conditions:
Inborn genetic diseases. Identifiers: MedGen C0950123, MeSH D030342.
Autosomal recessive hypophosphatemic bone disease (HHRH). Also called: Hypophosphatemic rickets with hypercalciuria; HYPERCALCIURIC RICKETS. Identifiers: Orphanet 157215, MedGen C1853271, MONDO:0009431, OMIM 241530.

Allele frequency attached by ClinVar (database versions not stated): gnomAD exomes 0.00001 and 0.00004; ExAC 0.00006; TOPMed 0.00010; gnomAD 0.00011 and 0.00012; 1000 Genomes Project 30x 0.00016; 1000 Genomes Project 0.00020.

Submissions (4):

Women's Health and Genetics/Laboratory Corporation of America, LabCorp
Classification: Uncertain significance. Last evaluated: 2025-12-02. Review status: criteria provided, single submitter. Criteria: LabCorp Variant Classification Summary - May 2015. Collection method: clinical testing. Allele origin: germline.
Comment: Variant summary: SLC34A3 c.1069G>A (p.Val357Ile) results in a conservative amino acid change in the encoded protein sequence. Algorithms developed to predict the effect of missense changes on protein structure and function all suggest that this variant is likely to be tolerated. The variant allele was found at a frequency of 3.7e-05 in 243912 control chromosomes. The available data on variant occurrences in the general population are insufficient to allow any conclusion about variant significance. To our knowledge, no occurrence of c.1069G>A in individuals affected with SLC34A3-related conditions and no experimental evidence demonstrating its impact on protein function have been reported. ClinVar contains an entry for this variant (Variation ID: 1522211). Based on the evidence outlined above, the variant was classified as uncertain significance.

Labcorp Genetics (formerly Invitae), Labcorp
Classification: Uncertain significance. Last evaluated: 2022-08-19. Review status: criteria provided, single submitter. Criteria: Invitae Variant Classification Sherloc (09022015). Collection method: clinical testing. Allele origin: germline.
Comment: This sequence change replaces valine, which is neutral and non-polar, with isoleucine, which is neutral and non-polar, at codon 357 of the SLC34A3 protein (p.Val357Ile). This variant is present in population databases (rs557760566, gnomAD 0.04%). This variant has not been reported in the literature in individuals affected with SLC34A3-related conditions. ClinVar contains an entry for this variant (Variation ID: 1522211). Algorithms developed to predict the effect of missense changes on protein structure and function (SIFT, PolyPhen-2, Align-GVGD) all suggest that this variant is likely to be tolerated. Algorithms developed to predict the effect of sequence changes on RNA splicing suggest that this variant may disrupt the consensus splice site. In summary, the available evidence is currently insufficient to determine the role of this variant in disease. Therefore, it has been classified as a Variant of Uncertain Significance.

Fulgent Genetics
Classification: Uncertain significance for Autosomal recessive hypophosphatemic bone disease. Last evaluated: 2022-05-12. Review status: criteria provided, single submitter. Criteria: ACMG Guidelines, 2015. Collection method: clinical testing. Allele origin: unknown.

Ambry Genetics
Classification: Uncertain significance for Inborn genetic diseases. Last evaluated: 2021-10-27. Review status: criteria provided, single submitter. Criteria: Ambry Variant Classification Scheme 2023. Collection method: clinical testing. Allele origin: germline.